The following is an entry in ClinVar:

NM_153252.5(BRWD3):c.656G>A (p.Arg219His)

Gene: BRWD3 (bromodomain and WD repeat domain containing 3; minus strand). Cytogenetic location: Xq21.1.
Variant type: single nucleotide variant.
Coding change: c.656G>A on transcript NM_153252.5 (MANE Select); coding-DNA position 656, G replaced by A.
Protein change: p.Arg219His; replaces arginine 219 with histidine.
Molecular consequence: missense variant.
Genome position (GRCh38, 1-based): chrX:80,744,189, C>T on the plus strand (G>A on the coding strand, the complement: BRWD3 is on the minus strand). VCF-style: chrX-80744189-C-T. GRCh37 (hg19) VCF-style: chrX-79999688-C-T.
Other names: short protein forms R219H.
Identifiers: ClinVar variation 3623685 (VCV003623685.2).

ClinVar aggregate classification (germline): Uncertain significance (1 of 4 stars; one submission).

Submission:

Labcorp Genetics (formerly Invitae), Labcorp
Classification: Uncertain significance. Last evaluated: 2024-02-23. Review status: criteria provided, single submitter. Criteria: Invitae Variant Classification Sherloc (09022015). Collection method: clinical testing. Allele origin: germline.
Comment: This sequence change replaces arginine, which is basic and polar, with histidine, which is basic and polar, at codon 219 of the BRWD3 protein (p.Arg219His). This variant is not present in population databases (gnomAD no frequency). This variant has not been reported in the literature in individuals affected with BRWD3-related conditions. Advanced modeling of protein sequence and biophysical properties (such as structural, functional, and spatial information, amino acid conservation, physicochemical variation, residue mobility, and thermodynamic stability) performed at Invitae indicates that this missense variant is expected to disrupt BRWD3 protein function with a positive predictive value of 80%. In summary, the available evidence is currently insufficient to determine the role of this variant in disease. Therefore, it has been classified as a Variant of Uncertain Significance.